The following is an entry in ClinVar:

NM_002296.4(LBR):c.1639A>G (p.Asn547Asp)

Gene: LBR (lamin B receptor; minus strand). Cytogenetic location: 1q42.12.
Variant type: single nucleotide variant.
Coding change: c.1639A>G on transcript NM_002296.4 (MANE Select); coding-DNA position 1639, A replaced by G.
Protein change: p.Asn547Asp; replaces asparagine 547 with aspartic acid.
Molecular consequence: missense variant.
Genome position (GRCh38, 1-based): chr1:225,404,452, T>C on the plus strand (A>G on the coding strand, the complement: LBR is on the minus strand). VCF-style: chr1-225404452-T-C. GRCh37 (hg19) VCF-style: chr1-225592154-T-C.
Other names: c.1639A>G, p.Asn547Asp (NM_194442.3); short protein forms N547D.
Identifiers: ClinVar variation 100900 (VCV000100900.9), dbSNP rs587777171, ClinGen allele CA150660.

ClinVar aggregate classification (germline): Pathogenic/Likely pathogenic. Review status: criteria provided, multiple submitters, no conflicts (2 of 4 stars). 3 submissions from 3 submitters: Pathogenic (1); Likely pathogenic (1). 1 of the submissions does not count toward it. Last evaluated 2019-05-07.

Conditions:
Pelger-Huët anomaly (PHA). Also called: Pelger-Huet Anomaly. Identifiers: MedGen C0030779, MONDO:0008214, OMIM 169400.
Greenberg dysplasia (GRBGD). Also called: CHONDRODYSTROPHY, HYDROPIC AND PRENATALLY LETHAL TYPE; HEM SKELETAL DYSPLASIA; MOTH-EATEN SKELETAL DYSPLASIA. Identifiers: Orphanet 1426, MedGen C2931048, MONDO:0008974, OMIM 215140.

Allele frequency attached by ClinVar (database versions not stated): gnomAD exomes below 0.00001; TOPMed below 0.00001.
gnomAD v4.1: 4 of 1,614,176 alleles (0.00025%); highest among the groups gnomAD compares: Non-Finnish European, 0.00034%; no homozygotes.

Submissions (3):

Centre for Mendelian Genomics, University Medical Centre Ljubljana
Classification: Pathogenic for Pelger-Huët anomaly. Last evaluated: 2019-05-07. Review status: criteria provided, single submitter. Criteria: ACMG Guidelines, 2015. Collection method: clinical testing. Allele origin: unknown. Affected: yes.
Comment: This variant was classified as: Pathogenic. The following ACMG criteria were applied in classifying this variant: PS1,PS3,PM2.

Illumina Laboratory Services, Illumina
Classification: Likely pathogenic for Greenberg dysplasia. Last evaluated: 2018-06-15. Review status: criteria provided, single submitter. Criteria: ICSL Variant Classification Criteria 09 May 2019. Collection method: clinical testing. Allele origin: germline.
Comment: The LBR c.1639A>G (p.Asn547Asp) missense variant has been reported two studies (Konstantinidou et al. 2008; Clayton et al. 2010). The p.Asn547Asp variant was absent from at least 500 control chromosomes and is reported at a frequency of 0.000009 in the European (non-Finnish) population of the Genome Aggregation Database, but this frequency is based on one allele in a region of good sequencing coverage. The variant is thus presumed to be rare. Functional studies showed that the p.ASn547Asp variant exhibited a considerable decrease in NADPH binding compared to wildtype in HeLa and LBR knockout cells as well as a nearly complete loss of de novo cholesterol synthesis in LBR knockout cell lines (Tsai et al. 2016; Turner and Schlieker 2016). Based on the collective evidence, the p.Asn547Asp variant is classified as likely pathogenic for Greenberg dysplasia. This variant was observed by ICSL as part of a predisposition screen in an ostensibly healthy population.

OMIM
Classification: Pathogenic for GREENBERG DYSPLASIA. Last evaluated: 2010-07-01. Review status: no assertion criteria provided. Collection method: literature only. Allele origin: germline. Not counted in ClinVar's aggregate classification.

Literature cited by the submitters: PubMed 21327084 (cited by Illumina Laboratory Services, Illumina and OMIM); PubMed 27336722 (cited by Illumina Laboratory Services, Illumina); PubMed 27830109 (cited by Illumina Laboratory Services, Illumina); PubMed 18382993 (cited by Illumina Laboratory Services, Illumina and OMIM).